The following is an entry in ClinVar:

ClinVar aggregate classification (germline): Uncertain significance (1 of 4 stars; one submission).

Submission:

GeneDx
Classification: Uncertain significance. Last evaluated: 2025-03-06. Review status: criteria provided, single submitter. Criteria: GeneDx Variant Classification Process June 2021. Collection method: clinical testing. Allele origin: germline. Affected: yes.
Comment: Not observed at significant frequency in large population cohorts (gnomAD); In silico analysis supports that this missense variant has a deleterious effect on protein structure/function; Has not been previously published as pathogenic or benign to our knowledge

NM_005412.6(SHMT2):c.1130C>T (p.Thr377Ile)

Gene: SHMT2 (serine hydroxymethyltransferase 2; plus strand). Cytogenetic location: 12q13.3.
Variant type: single nucleotide variant.
Coding change: c.1130C>T on transcript NM_005412.6 (MANE Select); coding-DNA position 1130, C replaced by T.
Protein change: p.Thr377Ile; replaces threonine 377 with isoleucine.
Molecular consequence: missense variant. On other transcripts: non-coding transcript variant (4).
Genome position (GRCh38, 1-based): chr12:57,233,755, C>T. VCF-style: chr12-57233755-C-T. GRCh37 (hg19) VCF-style: chr12-57627538-C-T.
Other names: c.1100C>T, p.Thr367Ile (NM_001166356.2); c.1067C>T, p.Thr356Ile (NM_001166357.1, NM_001166358.2, NM_001166359.1); short protein forms T356I, T367I, T377I.
Identifiers: ClinVar variation 4083424 (VCV004083424.1).
Genomic context (GRCh38, chr12:57,233,755, plus strand): 5'-TAGCTTCAGGCAGAGGCCCAGGACTCACCACTCCCCATTTCTTACCCACCTTAGGTGGTA[C>T]TGACAACCACCTGGTGCTGGTGGACCTGCGGCCCAAGGGCCTGGATGGAGCTCGGGCTGA-3'
Protein context (NP_005403.2, residues 367-387): ERGYSLVSGG[Thr377Ile]DNHLVLVDLR